The following is an entry in ClinVar:

ClinVar aggregate classification (germline): Uncertain significance. Review status: criteria provided, multiple submitters, no conflicts (2 of 4 stars). 4 submissions from 4 submitters: Uncertain significance (4). Last evaluated 2024-12-23.

Conditions:
Familial thoracic aortic aneurysm and aortic dissection (TAAD). Also called: Thoracic aortic aneurysms and dissections. Identifiers: Orphanet 91387, MedGen C4707243, MONDO:0019625.
Ehlers-Danlos syndrome, kyphoscoliotic type 1 (EDSKSCL1). Also called: EHLERS-DANLOS SYNDROME, OCULAR-SCOLIOTIC TYPE; Ehlers-Danlos syndrome, hydroxylysine-deficient; PLOD1-Related Kyphoscoliotic Ehlers-Danlos Syndrome; EHLERS-DANLOS SYNDROME, TYPE VIA. Identifiers: Orphanet 1900, MedGen C0268342, MONDO:0016002, OMIM 225400. Disease mechanism: loss of function.

Allele frequency attached by ClinVar (database versions not stated): TOPMed below 0.00001; gnomAD exomes 0.00001.

Submissions (4):

Ambry Genetics
Classification: Uncertain significance for Familial thoracic aortic aneurysm and aortic dissection. Last evaluated: 2024-12-23. Review status: criteria provided, single submitter. Criteria: Ambry Variant Classification Scheme 2023. Collection method: clinical testing. Allele origin: germline.

Labcorp Genetics (formerly Invitae), Labcorp
Classification: Uncertain significance for Ehlers-Danlos syndrome, kyphoscoliotic type 1. Last evaluated: 2022-06-29. Review status: criteria provided, single submitter. Criteria: Invitae Variant Classification Sherloc (09022015). Collection method: clinical testing. Allele origin: germline.
Comment: This sequence change replaces serine, which is neutral and polar, with leucine, which is neutral and non-polar, at codon 108 of the PLOD1 protein (p.Ser108Leu). The frequency data for this variant in the population databases is considered unreliable, as metrics indicate poor data quality at this position in the gnomAD database. This variant has not been reported in the literature in individuals affected with PLOD1-related conditions. ClinVar contains an entry for this variant (Variation ID: 520119). Algorithms developed to predict the effect of missense changes on protein structure and function are either unavailable or do not agree on the potential impact of this missense change (SIFT: "Deleterious"; PolyPhen-2: "Possibly Damaging"; Align-GVGD: "Class C0"). In summary, the available evidence is currently insufficient to determine the role of this variant in disease. Therefore, it has been classified as a Variant of Uncertain Significance.

ARUP Laboratories, Molecular Genetics and Genomics, ARUP Laboratories
Classification: Uncertain significance for Ehlers-Danlos syndrome, kyphoscoliotic type 1. Last evaluated: 2021-08-20. Review status: criteria provided, single submitter. Criteria: ARUP Molecular Germline Variant Investigation Process 2021. Collection method: clinical testing. Allele origin: germline.
Comment: The PLOD1 c.323C>T; p.Ser108Leu variant (rs549517196), to our knowledge, is not reported in the medical literature but is reported in ClinVar (Variation ID: 520119). This variant is absent from general population databases (Exome Variant Server, Genome Aggregation Database), indicating it is not a common polymorphism. The serine at codon 108 is moderately conserved, and computational analyses are uncertain whether this variant is neutral or deleterious (REVEL: 0.327). Due to limited information, the clinical significance of the p.Ser108Leu variant is uncertain at this time.

GeneDx
Classification: Uncertain significance. Last evaluated: 2020-02-11. Review status: criteria provided, single submitter. Criteria: GeneDx Variant Classification Process June 2021. Collection method: clinical testing. Allele origin: germline. Affected: yes.
Comment: Not observed at a significant frequency in large population cohorts (Lek et al., 2016); In silico analysis supports that this missense variant has a deleterious effect on protein structure/function

NM_000302.4(PLOD1):c.323C>T (p.Ser108Leu)

Gene: PLOD1 (procollagen-lysine,2-oxoglutarate 5-dioxygenase 1; plus strand). Cytogenetic location: 1p36.22.
Variant type: single nucleotide variant.
Coding change: c.323C>T on transcript NM_000302.4 (MANE Select); coding-DNA position 323, C replaced by T.
Protein change: p.Ser108Leu; replaces serine 108 with leucine.
Molecular consequence: missense variant.
Genome position (GRCh38, 1-based): chr1:11,950,377, C>T. VCF-style: chr1-11950377-C-T. GRCh37 (hg19) VCF-style: chr1-12010434-C-T.
Other names: c.464C>T, p.Ser155Leu (NM_001316320.2); short protein forms S108L, S155L.
Identifiers: ClinVar variation 520119 (VCV000520119.15), dbSNP rs549517196, ClinGen allele CA17999086.
Genomic context (GRCh38, chr1:11,950,377, plus strand): 5'-ACCCTTGCCCTGCTCCGTCTTCTCGCTGCTCTGGCCACAGCTATGACGTGCTGTTTGCAT[C>T]GGGGCCCCGGGAGCTCCTGAAGAAGTTCCGGCAGGCCAGGAGCCAGGTGGTCTTCTCTGC-3'
Protein context (NP_000293.2, residues 98-118): FADSYDVLFA[Ser108Leu]GPRELLKKFR